The following is an entry in ClinVar:

NM_000383.4(AIRE):c.463+2T>C

Gene: AIRE (autoimmune regulator; plus strand). Cytogenetic location: 21q22.3.
Variant type: single nucleotide variant.
Coding change: c.463+2T>C on transcript NM_000383.4 (MANE Select); the canonical splice donor site of the intron after coding-DNA position 463, T replaced by C.
Molecular consequence: splice donor variant.
Genome position (GRCh38, 1-based): chr21:44,287,135, T>C. VCF-style: chr21-44287135-T-C. GRCh37 (hg19) VCF-style: chr21-45707018-T-C.
Identifiers: ClinVar variation 188800 (VCV000188800.22), dbSNP rs786204478, ClinGen allele CA199063.
Genomic context (GRCh38, chr21:44,287,135, plus strand): 5'-AGAAGAGGCTCGAGCTGCCGCGCCAGCAGCCCTGACTCCAAGGGGCACCGCCAGCCCAGG[T>C]ACCCTCCCTGCAGGGGAAGCCAGCCAGGGTCTCCAGTCTTCCCGGGCTTCCCCGGGAGCC-3'

ClinVar aggregate classification (germline): Pathogenic/Likely pathogenic. Review status: criteria provided, multiple submitters, no conflicts (2 of 4 stars). 7 submissions from 7 submitters: Pathogenic (4); Likely pathogenic (1). 2 of the submissions do not count toward it. Last evaluated 2025-03-07.

Conditions:
Polyglandular autoimmune syndrome, type 1 (APS1). Also called: Autoimmune polyendocrinopathy syndrome , type I, with or without reversible metaphyseal dysplasia; APS I; HYPOADRENOCORTICISM WITH HYPOPARATHYROIDISM AND SUPERFICIAL MONILIASIS; Autoimmune polyendocrinopathy syndrome, type I; AUTOIMMUNE POLYENDOCRINE SYNDROME, TYPE I, WITH OR WITHOUT REVERSIBLE METAPHYSEAL DYSPLASIA; Whitaker syndrome. Identifiers: Orphanet 3453, MedGen C0085859, MONDO:0009411, OMIM 240300.

Allele frequency attached by ClinVar (database versions not stated): gnomAD 0.00001; gnomAD exomes 0.00001; TOPMed 0.00002.
gnomAD v4.1: 16 of 1,611,822 alleles (0.00099%); highest among the groups gnomAD compares: East Asian, 0.0022%; no homozygotes.

Submissions (7):

GeneDx
Classification: Pathogenic. Last evaluated: 2025-03-07. Review status: criteria provided, single submitter. Criteria: GeneDx Variant Classification Process June 2021. Collection method: clinical testing. Allele origin: germline. Affected: yes.
Comment: Canonical splice site variant predicted to result in an in-frame loss of the adjacent exon in a gene for which loss of function is a known mechanism of disease; This variant is associated with the following publications: (PMID: 25525159, 11524731, 9921903, 17220063, 35753512)

Fulgent Genetics
Classification: Likely pathogenic for Polyglandular autoimmune syndrome, type 1. Last evaluated: 2024-04-05. Review status: criteria provided, single submitter. Criteria: ACMG Guidelines, 2015. Collection method: clinical testing. Allele origin: germline.

Labcorp Genetics (formerly Invitae), Labcorp
Classification: Pathogenic for Polyglandular autoimmune syndrome, type 1. Last evaluated: 2023-10-13. Review status: criteria provided, single submitter. Criteria: Invitae Variant Classification Sherloc (09022015). Collection method: clinical testing. Allele origin: germline.
Comment: This sequence change affects a donor splice site in intron 3 of the AIRE gene. It is expected to disrupt RNA splicing. Variants that disrupt the donor or acceptor splice site typically lead to a loss of protein function (PMID: 16199547), and loss-of-function variants in AIRE are known to be pathogenic (PMID: 11524731, 26141571). This variant is present in population databases (rs786204478, gnomAD 0.002%). Disruption of this splice site has been observed in individuals with polyendocrinopathy with candidiasis and ectodermal dysplasia (APECED) (PMID: 9921903, 17220063). This variant is also known as 5835T>C and IVS3+2T>C. ClinVar contains an entry for this variant (Variation ID: 188800). Algorithms developed to predict the effect of sequence changes on RNA splicing suggest that this variant may disrupt the consensus splice site. For these reasons, this variant has been classified as Pathogenic.

National Institute of Allergy and Infectious Diseases - Centralized Sequencing Program, National Institutes of Health
Classification: Pathogenic for APECED. Last evaluated: 2023-09-14. Review status: criteria provided, single submitter. Criteria: ACMG Guidelines, 2015. Collection method: clinical testing. Allele origin: germline. Affected: no.

Women's Health and Genetics/Laboratory Corporation of America, LabCorp
Classification: Pathogenic for Polyglandular autoimmune syndrome, type 1. Last evaluated: 2023-06-26. Review status: criteria provided, single submitter. Criteria: LabCorp Variant Classification Summary - May 2015. Collection method: clinical testing. Allele origin: germline.
Comment: Variant summary: AIRE c.463+2T>C is located in a canonical splice-site and is predicted to affect mRNA splicing resulting in a significantly altered protein due to either exon skipping, shortening, or inclusion of intronic material. Several computational tools predict a significant impact on normal splicing: Four predict the variant abolishes the canonical 5' splicing donor site. The variant allele was found at a frequency of 1.2e-05 in 242240 control chromosomes (gnomAD). c.463+2T>C has been reported in the literature in multiple individuals affected with autoimmune polyendocrinopathy candidiasis ectodermal dystrophy (APECED) (examples: Wang_1998, and Dominguez_2006). This variant is also known as 5835T>C. These data indicate that the variant is very likely to be associated with disease. The following publications have been ascertained in the context of this evaluation (PMID: 9921903, 17220063). Three submitters have cited clinical-significance assessments for this variant to ClinVar after 2014. All submitters classified the variant as pathogenic. Based on the evidence outlined above, the variant was classified as pathogenic.

Natera, Inc.
Classification: Pathogenic for Polyglandular autoimmune syndrome type 1. Last evaluated: 2020-09-09. Review status: no assertion criteria provided. Collection method: clinical testing. Allele origin: germline. Not counted in ClinVar's aggregate classification.

Counsyl
Classification: Likely pathogenic for Polyglandular autoimmune syndrome, type 1. Last evaluated: 2014-05-21. Review status: no assertion criteria provided. Collection method: literature only. Allele origin: unknown. Inheritance: Autosomal recessive inheritance. Not counted in ClinVar's aggregate classification.

Literature cited by the submitters: PubMed 16199547 (cited by Labcorp Genetics (formerly Invitae), Labcorp); PubMed 11524731 (cited by Labcorp Genetics (formerly Invitae), Labcorp and Counsyl); PubMed 26141571 (cited by Labcorp Genetics (formerly Invitae), Labcorp); PubMed 9921903 (cited by 4 submitters); PubMed 17220063 (cited by 3 submitters); PubMed 35753512 (cited by National Institute of Allergy and Infectious Diseases - Centralized Sequencing Program, National Institutes of Health); PubMed 17189144 (cited by Counsyl).